The following is an entry in ClinVar:

ClinVar aggregate classification (germline): Conflicting classifications of pathogenicity. Review status: criteria provided, conflicting classifications (1 of 4 stars). 2 submissions from 2 submitters: Pathogenic, low penetrance (1); Uncertain significance (1). Last evaluated 2026-03-17.

Conditions:
Atypical hemolytic-uremic syndrome. Identifiers: Orphanet 2134, MedGen C2931788, MONDO:0016244.

Submissions (2):

GeneDx
Classification: Uncertain significance. Last evaluated: 2026-03-17. Review status: criteria provided, single submitter. Criteria: GeneDx Variant Classification Process June 2021. Collection method: clinical testing. Allele origin: germline.
Comment: Canonical splice site variant with an unclear effect on protein function; Not observed at significant frequency in large population cohorts (gnomAD); Identified in a patient with atypical hemolytic uremic syndrome in published literature; however, this individual was not tested for variants in all genes associated with this phenotype (PMID: 37744338); This variant is associated with the following publications: (PMID: 37744338)

Genomenon, Inc
Classification: Pathogenic, low penetrance for Atypical hemolytic-uremic syndrome. Last evaluated: 2025-10-02. Review status: criteria provided, single submitter. Criteria: Genomenon Sequence Variant Interpretation Standards. Collection method: curation. Allele origin: germline. Affected: yes.
Comment: CD46 c.947-1G>C is a canonical splice variant located in the acceptor splice region in intron 8. It is predicted to affect mRNA splicing, leading to a deleterious effect on the CD46 protein. This variant has been observed in at least one proband affected with atypical hemolytic-uremic syndrome (PMID:37744338). It is absent or not present at a significant frequency in gnomAD. In conclusion, we classify CD46 c.947-1G>C as a pathogenic variant.

Literature cited by the submitters: PubMed 37744338 (cited by Genomenon, Inc).

NM_172351.3(CD46):c.902-1G>C

Gene: CD46 (CD46 molecule; plus strand). Cytogenetic location: 1q32.2.
Variant type: single nucleotide variant.
Coding change: c.902-1G>C on transcript NM_172351.3 (MANE Select); the canonical splice acceptor site of the intron before coding-DNA position 902, G replaced by C.
Molecular consequence: splice acceptor variant. On other transcripts: intron variant (4).
Genome position (GRCh38, 1-based): chr1:207,770,320, G>C. VCF-style: chr1-207770320-G-C. GRCh37 (hg19) VCF-style: chr1-207943665-G-C.
Other names: c.856+3125G>C (NM_172361.3, NM_172357.3); c.947-1G>C (NM_002389.4, NM_172359.3); c.902-1G>C (NM_153826.4, NM_172358.3); c.901+2497G>C (NM_172355.3, NM_172356.3); c.857-1G>C (NM_172352.3, NM_172353.3, NM_172350.3).
Identifiers: ClinVar variation 4291211 (VCV004291211.2).
Genomic context (GRCh38, chr1:207,770,320, plus strand): 5'-AGTCATAATTTTATATTGATAAGGCCCTGGTGAATTTATAAAATCAAACTTATTTTTCTA[G>C]GTCCTAGGCCTACTTACAAGCCTCCAGTCTCAAATTATCCAGGTTGGTTAACTCTTTATC-3'